The following is an entry in ClinVar:

NM_017780.4(CHD7):c.6371T>C (p.Phe2124Ser)

Gene: CHD7 (chromodomain helicase DNA binding protein 7; plus strand). Cytogenetic location: 8q12.2.
Variant type: single nucleotide variant.
Coding change: c.6371T>C on transcript NM_017780.4 (MANE Select); coding-DNA position 6371, T replaced by C.
Protein change: p.Phe2124Ser; replaces phenylalanine 2124 with serine.
Molecular consequence: missense variant. On other transcripts: intron variant (1).
Genome position (GRCh38, 1-based): chr8:60,853,096, T>C. VCF-style: chr8-60853096-T-C. GRCh37 (hg19) VCF-style: chr8-61765655-T-C.
Other names: c.6371T>C (NM_017780.3); c.1717-9133T>C (NM_001316690.1); short protein forms F2124S.
Identifiers: ClinVar variation 2500730 (VCV002500730.3), dbSNP rs2488042663, ClinGen allele CA371324937.

ClinVar aggregate classification (germline): Likely pathogenic. Review status: criteria provided, multiple submitters, no conflicts (2 of 4 stars). 2 submissions from 2 submitters: Likely pathogenic (2). Last evaluated 2023-12-11.

Conditions:
CHARGE syndrome (CHARGE). Also called: Hittner Hirsch Kreh syndrome; CHARGE ASSOCIATION--COLOBOMA, HEART ANOMALY, CHOANAL ATRESIA, RETARDATION, GENITAL AND EAR ANOMALIES; Coloboma, heart anomaly, choanal atresia, retardation, genital and ear anomalies; CHARGE association; Hall-Hittner syndrome. Identifiers: Orphanet 138, MedGen C0265354, MONDO:0008965.

Submissions (2):

Institute of Human Genetics, University of Leipzig Medical Center
Classification: Likely pathogenic for CHD7-related CHARGE syndrome. Last evaluated: 2023-12-11. Review status: criteria provided, single submitter. Criteria: ACMG Guidelines, 2015. Collection method: clinical testing. Allele origin: unknown. Inheritance: Autosomal dominant inheritance. Affected: yes.
Comment: Criteria applied: PS2,PS4_SUP,PM2_SUP,PP2,PP3

Victorian Clinical Genetics Services, Murdoch Childrens Research Institute
Classification: Likely pathogenic for CHD7-related CHARGE syndrome. Last evaluated: 2022-02-02. Review status: criteria provided, single submitter. Criteria: ACMG Guidelines, 2015. Collection method: clinical testing. Allele origin: germline. Inheritance: Autosomal dominant inheritance. Affected: yes.
Comment: Based on the classification scheme VCGS_Germline_v1.3.4, this variant is classified as Likely Pathogenic. Following criteria are met: 0102 - Loss of function is a known mechanism of disease in this gene and is associated with CHARGE syndrome (MIM#214800) and hypogonadotropic hypogonadism 5 with or without anosmia (MIM#612370). (I) 0107 - This gene is associated with autosomal dominant disease. (I) 0200 - Variant is predicted to result in a missense amino acid change from phenylalanine to serine. (I) 0251 - This variant is heterozygous. (I) 0301 - Variant is absent from gnomAD (both v2 and v3). (SP) 0501 - Missense variant consistently predicted to be damaging by multiple in silico tools or highly conserved with a major amino acid change. (SP) 0604 - Variant is not located in an established domain, motif, hotspot or informative constraint region. (I) 0705 - No comparable missense variants have previous evidence for pathogenicity. (I) 0807 - This variant has no previous evidence of pathogenicity. (I) 0905 - No published segregation evidence has been identified for this variant. (I) 1007 - No published functional evidence has been identified for this variant. (I) 1101 - Very strong and specific phenotype match for this individual. (SP) Legend: (SP) - Supporting pathogenic, (I) - Information, (SB) - Supporting benign